The following is an entry in ClinVar:

ClinVar aggregate classification (germline): Uncertain significance (1 of 4 stars; one submission).

Conditions:
Neuronopathy, distal hereditary motor, type 7A. Also called: Neuronopathy, distal hereditary motor, type viia; NEURONOPATHY, DISTAL HEREDITARY MOTOR, HARDING TYPE VIIA; NEUROPATHY, DISTAL HEREDITARY MOTOR, HARDING TYPE VIIA; Neuronopathy, distal hereditary motor, autosomal dominant 7; HARPER-YOUNG MYOPATHY; HMN VIIA. Identifiers: Orphanet 139589, MedGen C1834703, MONDO:0008024, OMIM 158580.
Congenital myasthenic syndrome 20. Also called: Myasthenic syndrome, congenital, 20, presynaptic. Identifiers: MedGen C4310694, MONDO:0014939, OMIM 617143.

Submission:

Labcorp Genetics (formerly Invitae), Labcorp
Classification: Uncertain significance for Neuronopathy, distal hereditary motor, type 7A; Congenital myasthenic syndrome 20. Last evaluated: 2024-02-07. Review status: criteria provided, single submitter. Criteria: Invitae Variant Classification Sherloc (09022015). Collection method: clinical testing. Allele origin: germline.
Comment: This sequence change replaces serine, which is neutral and polar, with arginine, which is basic and polar, at codon 243 of the SLC5A7 protein (p.Ser243Arg). This variant is not present in population databases (gnomAD no frequency). This variant has not been reported in the literature in individuals affected with SLC5A7-related conditions. Advanced modeling of protein sequence and biophysical properties (such as structural, functional, and spatial information, amino acid conservation, physicochemical variation, residue mobility, and thermodynamic stability) performed at Invitae indicates that this missense variant is not expected to disrupt SLC5A7 protein function with a negative predictive value of 80%. In summary, the available evidence is currently insufficient to determine the role of this variant in disease. Therefore, it has been classified as a Variant of Uncertain Significance.

NM_021815.5(SLC5A7):c.729T>A (p.Ser243Arg)

Gene: SLC5A7 (solute carrier family 5 member 7; plus strand). Cytogenetic location: 2q12.3.
Variant type: single nucleotide variant.
Coding change: c.729T>A on transcript NM_021815.5 (MANE Select); coding-DNA position 729, T replaced by A.
Protein change: p.Ser243Arg; replaces serine 243 with arginine.
Molecular consequence: missense variant. On other transcripts: 5 prime UTR variant (1).
Genome position (GRCh38, 1-based): chr2:108,002,028, T>A. VCF-style: chr2-108002028-T-A. GRCh37 (hg19) VCF-style: chr2-108618484-T-A.
Other names: c.729T>A, p.Ser243Arg (NM_001305005.3); c.414T>A, p.Ser138Arg (NM_001305006.3); c.-13T>A (NM_001305007.3); short protein forms S138R, S243R.
Identifiers: ClinVar variation 3763681 (VCV003763681.2).